The following is an entry in ClinVar:

ClinVar aggregate classification (germline): Conflicting classifications of pathogenicity. Review status: criteria provided, conflicting classifications (1 of 4 stars). 2 submissions from 2 submitters: Uncertain significance (1); Likely benign (1). Last evaluated 2025-07-22.

Conditions:
Osteogenesis imperfecta type I (OI1). Also called: Lobstein disease; Lobstein's Disease; Classic Non-deforming Osteogenesis Imperfecta with Blue Sclerae; OI, TYPE I; OSTEOGENESIS IMPERFECTA TARDA; OSTEOGENESIS IMPERFECTA WITH BLUE SCLERAE. Identifiers: Orphanet 216796, Orphanet 666, MedGen C0023931, MONDO:0008146, OMIM 166200. Disease mechanism: loss of function.

Allele frequency attached by ClinVar (database versions not stated): gnomAD 0.00001; gnomAD exomes 0.00001 and 0.00002; TOPMed 0.00001; ExAC 0.00003.
gnomAD v4.1: 21 of 1,613,996 alleles (0.0013%); highest among the groups gnomAD compares: South Asian, 0.0077%; no homozygotes.

Submissions (2):

Labcorp Genetics (formerly Invitae), Labcorp
Classification: Uncertain significance for Osteogenesis imperfecta type I. Last evaluated: 2025-07-22. Review status: criteria provided, single submitter. Criteria: Invitae Variant Classification Sherloc (09022015). Collection method: clinical testing. Allele origin: germline.
Comment: This sequence change replaces arginine, which is basic and polar, with cysteine, which is neutral and slightly polar, at codon 1399 of the COL1A1 protein (p.Arg1399Cys). This variant is present in population databases (rs762848021, gnomAD 0.006%). This variant has not been reported in the literature in individuals affected with COL1A1-related conditions. ClinVar contains an entry for this variant (Variation ID: 1360205). Invitae Evidence Modeling of protein sequence and biophysical properties (such as structural, functional, and spatial information, amino acid conservation, physicochemical variation, residue mobility, and thermodynamic stability) has been performed for this missense variant. However, the output from this modeling did not meet the statistical confidence thresholds required to predict the impact of this variant on COL1A1 protein function. In summary, the available evidence is currently insufficient to determine the role of this variant in disease. Therefore, it has been classified as a Variant of Uncertain Significance.

CeGaT Center for Human Genetics Tuebingen
Classification: Likely benign. Last evaluated: 2022-08-01. Review status: criteria provided, single submitter. Criteria: CeGaT Center For Human Genetics Tuebingen Variant Classification Criteria Version 2. Collection method: clinical testing. Allele origin: germline. Affected: yes. Observed: 1 variant allele.
Comment: COL1A1: PP2, PP4, BS2

NM_000088.4(COL1A1):c.4195C>T (p.Arg1399Cys)

Gene: COL1A1 (collagen type I alpha 1 chain; minus strand). Cytogenetic location: 17q21.33.
Variant type: single nucleotide variant.
Coding change: c.4195C>T on transcript NM_000088.4 (MANE Select); coding-DNA position 4195, C replaced by T.
Protein change: p.Arg1399Cys; replaces arginine 1399 with cysteine.
Molecular consequence: missense variant.
Genome position (GRCh38, 1-based): chr17:50,185,831, G>A on the plus strand (C>T on the coding strand, the complement: COL1A1 is on the minus strand). VCF-style: chr17-50185831-G-A. GRCh37 (hg19) VCF-style: chr17-48263192-G-A.
Other names: short protein forms R1399C.
Identifiers: ClinVar variation 1360205 (VCV001360205.38), dbSNP rs762848021, ClinGen allele CA8644236.
Genomic context (GRCh38, chr17:50,185,831, plus strand): 5'-CACTCACCGTGCAGCCATCGACAGTGACGCTGTAGGTGAAGCGGCTGTTGCCCTCGGCGC[G>A]GATCTCGATCTCGTTGGAGCCCTGGAGGAGCAGGGCCTTCTTGAGGTTGCCAGTCTGCTG-3'
Protein context (NP_000079.2, residues 1389-1409): LLQGSNEIEI[Arg1399Cys]AEGNSRFTYS